The following is an entry in ClinVar:

NM_001267550.2(TTN):c.59848C>T (p.Arg19950Ter)

Genes: TTN (titin; minus strand), TTN-AS1 (TTN antisense RNA 1; plus strand), LOC126806424 (CDK7 strongly-dependent group 2 enhancer GRCh37_chr2:179456337-179457536; plus strand). Cytogenetic location: 2q31.2.
Variant type: single nucleotide variant.
Coding change: c.59848C>T on transcript NM_001267550.2 (MANE Select); coding-DNA position 59848, C replaced by T.
Protein change: p.Arg19950Ter; replaces arginine 19950 with a stop codon.
Molecular consequence: nonsense.
Genome position (GRCh38, 1-based): chr2:178,592,056, G>A on the plus strand (C>T on the coding strand, the complement: TTN is on the minus strand). VCF-style: chr2-178592056-G-A. GRCh37 (hg19) VCF-style: chr2-179456783-G-A.
Other names: p.Arg18309*; c.54925C>T, p.Arg18309Ter (NM_001256850.1); c.32653C>T, p.Arg10885Ter (NM_003319.4); c.52144C>T, p.Arg17382Ter (NM_133378.4); c.33028C>T, p.Arg11010Ter (NM_133432.3); c.33229C>T, p.Arg11077Ter (NM_133437.4); short protein forms R19950*, R11077*, R18309*, R10885*, R11010*, R17382*.
Identifiers: ClinVar variation 575441 (VCV000575441.17), dbSNP rs1559598775, ClinGen allele CA349489453.

ClinVar aggregate classification (germline): Likely pathogenic. Review status: criteria provided, multiple submitters, no conflicts (2 of 4 stars). 7 submissions from 7 submitters: Likely pathogenic (6). 1 of the submissions does not count toward it. Last evaluated 2025-12-10.

Conditions:
Cardiovascular phenotype. Identifiers: MedGen CN230736.
Tibial muscular dystrophy (TMD). Also called: UDD MYOPATHY; Tibial muscular dystrophy, tardive; Udd Distal Myopathy – Tibial Muscular Dystrophy. Identifiers: Orphanet 609, MedGen C1838244, MONDO:0010870, OMIM 600334.
Dilated cardiomyopathy 1G (CMD1G). Identifiers: Orphanet 154, MedGen C1858763, MONDO:0011400, OMIM 604145.
Hypertrophic cardiomyopathy 9. Also called: Familial hypertrophic cardiomyopathy 9. Identifiers: MedGen C1861065, MONDO:0013412, OMIM 613765.
Early-onset myopathy with fatal cardiomyopathy (CMYO5). Also called: CONGENITAL MYOPATHY 5 WITH CARDIOMYOPATHY; Salih Myopathy. Identifiers: Orphanet 289377, MedGen C2673677, MONDO:0012714, OMIM 611705. Disease mechanism: loss of function.
Autosomal recessive limb-girdle muscular dystrophy type 2J (LGMDR10). Also called: Limb-girdle muscular dystrophy, type 2J; MUSCULAR DYSTROPHY, LIMB-GIRDLE, AUTOSOMAL RECESSIVE 10. Identifiers: Orphanet 140922, MedGen C1837342, MONDO:0012127, OMIM 608807.
Myopathy, myofibrillar, 9, with early respiratory failure (MFM9). Also called: Hereditary myopathy with early respiratory failure; Myopathy, distal, with early respiratory failure, autosomal dominant; EDSTROM MYOPATHY; MYOPATHY, PROXIMAL, WITH EARLY RESPIRATORY MUSCLE INVOLVEMENT. Identifiers: Orphanet 178464, Orphanet 34521, MedGen C1863599, MONDO:0011362, OMIM 603689.
Left ventricular noncompaction cardiomyopathy. Also called: left ventricular non-compaction cardiomyopathy. Identifiers: MedGen C4021133, HP:0011664.
TTN-related disorder. Also called: TTN-related condition; TTN-related disease; TTN-related disorders.

Submissions (7):

Labcorp Genetics (formerly Invitae), Labcorp
Classification: Likely pathogenic for Dilated cardiomyopathy 1G; Autosomal recessive limb-girdle muscular dystrophy type 2J. Last evaluated: 2025-12-10. Review status: criteria provided, single submitter. Criteria: Invitae Variant Classification Sherloc (09022015). Collection method: clinical testing. Allele origin: germline.
Comment: This sequence change creates a premature translational stop signal (p.Arg19950*) in the TTN gene. While this is not anticipated to result in nonsense mediated decay, it is expected to create a truncated TTN protein. This variant is not present in population databases (gnomAD no frequency). This premature translational stop signal has been observed in individual(s) with left ventricular noncompaction cardiomyopathy (PMID: 32659924). ClinVar contains an entry for this variant (Variation ID: 575441). This variant is located in the A band of TTN (PMID: 25589632). Truncating variants in this region are significantly overrepresented in patients affected with dilated cardiomyopathy (PMID: 25589632). Truncating variants in this region have also been reported in individuals affected with autosomal recessive centronuclear myopathy (PMID: 23975875). In summary, the currently available evidence indicates that the variant is pathogenic, but additional data are needed to prove that conclusively. Therefore, this variant has been classified as Likely Pathogenic.

Ambry Genetics
Classification: Likely pathogenic for Cardiovascular phenotype. Last evaluated: 2024-11-21. Review status: criteria provided, single submitter. Criteria: Ambry Variant Classification Scheme 2023. Collection method: clinical testing. Allele origin: germline.
Comment: The p.R10885* variant (also known as c.32653C>T), located in coding exon 129 of the TTN gene, results from a C to T substitution at nucleotide position 32653. This changes the amino acid from an arginine to a stop codon within coding exon 129. This exon is located in the A-band region of the N2-B isoform of the titin protein and is constitutively expressed in TTN transcripts (percent spliced in or PSI 100%). This alteration (also referred to as NM_001267550.2:c.59848C>T, p.R19950*) has been reported in a subject with left ventricular non-compaction (Kolokotronis K et al. J Clin Med, 2020 Jul;9). This variant is considered to be rare based on population cohorts in the Genome Aggregation Database (gnomAD). In addition to the clinical data presented in the literature, this alteration is expected to result in loss of function by premature protein truncation or nonsense-mediated mRNA decay. While truncating variants in TTN are present in 1-3% of the general population, truncating variants in the A-band are the most common cause of dilated cardiomyopathy (DCM) (Herman DS et al. N. Engl. J. Med., 2012 Feb;366:619-28; Roberts AM et al. Sci Transl Med, 2015 Jan;7:270ra6). TTN truncating variants encoded in constitutive exons (PSI >90%) have been found to be significantly associated with DCM regardless of their position in titin (Schafer S et al. Nat. Genet., 2017 01;49:46-53). Based on the majority of available evidence to date, this variant is likely to be pathogenic.

Genomic Medicine Center of Excellence, King Faisal Specialist Hospital and Research Centre
Classification: Likely pathogenic for Dilated cardiomyopathy 1G. Last evaluated: 2024-09-22. Review status: criteria provided, single submitter. Criteria: ACMG Guidelines, 2015. Collection method: clinical testing. Allele origin: germline.

Mayo Clinic Laboratories, Mayo Clinic
Classification: Likely pathogenic. Last evaluated: 2024-01-10. Review status: criteria provided, single submitter. Criteria: ACMG Guidelines, 2015. Collection method: clinical testing. Allele origin: germline. Observed: 1 variant allele.
Comment: PM2, PVS1

Blueprint Genetics
Classification: Likely pathogenic for TTN-related disorders. Last evaluated: 2019-09-17. Review status: criteria provided, single submitter. Criteria: ACMG Guidelines, 2015. Collection method: clinical testing. Allele origin: germline. Affected: yes. Observed: 1 variant allele.

Juno Genomics, Hangzhou Juno Genomics, Inc
Classification: Likely pathogenic for Early-onset myopathy with fatal cardiomyopathy; Dilated cardiomyopathy 1G; Hypertrophic cardiomyopathy 9; Autosomal recessive limb-girdle muscular dystrophy type 2J; Myopathy, myofibrillar, 9, with early respiratory failure; Tibial muscular dystrophy. Review status: criteria provided, single submitter. Criteria: ACMG Guidelines, 2015. Collection method: clinical testing. Allele origin: germline.
Comment: Absent from controls (or at extremely low frequency if recessive) in Genome Aggregation Database.;Null variant in a gene where loss of function (LOF) is a known mechanism of disease.

Institute of Human Genetics, University of Wuerzburg
Classification: Pathogenic for Left ventricular noncompaction cardiomyopathy. Review status: no assertion criteria provided. Collection method: clinical testing. Allele origin: unknown. Not counted in ClinVar's aggregate classification.

Literature cited by the submitters: PubMed 32659924 (cited by 3 submitters); PubMed 25589632 (cited by Labcorp Genetics (formerly Invitae), Labcorp); PubMed 23975875 (cited by Labcorp Genetics (formerly Invitae), Labcorp); PubMed 35653365 (cited by Mayo Clinic Laboratories, Mayo Clinic).